The following is an entry in ClinVar:

ClinVar aggregate classification (germline): Pathogenic/Likely pathogenic. Review status: criteria provided, multiple submitters, no conflicts (2 of 4 stars). 3 submissions from 3 submitters: Pathogenic (1); Likely pathogenic (2). Last evaluated 2025-06-03.

Conditions:
Ellis-van Creveld syndrome (EVC). Also called: EVC-Related Ellis-van Creveld Syndrome; EVC2-Related Ellis-van Creveld Syndrome; MESOECTODERMAL DYSPLASIA; Chondroectodermal dysplasia. Identifiers: Orphanet 289, MedGen C0013903, MONDO:0009162, OMIM 225500.
Curry-Hall syndrome (WAD). Also called: WEYERS ACRODENTAL DYSOSTOSIS. Identifiers: Orphanet 952, MedGen C0457013, MONDO:0008673, OMIM 193530.

Allele frequency attached by ClinVar (database versions not stated): gnomAD exomes below 0.00001.
gnomAD v4.1: 1 of 1,614,130 alleles (0.000062%); highest among the groups gnomAD compares: East Asian, 0.0022%; no homozygotes.

Submissions (3):

Natera, Inc.
Classification: Likely pathogenic for Ellis-van Creveld syndrome. Last evaluated: 2025-06-03. Review status: criteria provided, single submitter. Criteria: Natera Variant Classification Schema (03/2026). Collection method: clinical testing. Allele origin: germline.
Comment: The c.653T>G variant in EVC is a nonsense variant predicted to introduce a stop codon at amino acid 218. This variant is expected to result in nonsense mediated decay, truncation, or a dysfunctional protein product. This variant is rare in the general population with a frequency below the threshold expected for the associated phenotype(s). Given the available evidence, this variant is classified as Likely Pathogenic.

Labcorp Genetics (formerly Invitae), Labcorp
Classification: Pathogenic for Curry-Hall syndrome; Ellis-van Creveld syndrome. Last evaluated: 2023-09-12. Review status: criteria provided, single submitter. Criteria: Invitae Variant Classification Sherloc (09022015). Collection method: clinical testing. Allele origin: germline.
Comment: This sequence change creates a premature translational stop signal (p.Leu218*) in the EVC gene. It is expected to result in an absent or disrupted protein product. Loss-of-function variants in EVC are known to be pathogenic (PMID: 23220543). This variant is not present in population databases (gnomAD no frequency). For these reasons, this variant has been classified as Pathogenic. This variant has not been reported in the literature in individuals affected with EVC-related conditions.

Juno Genomics, Hangzhou Juno Genomics, Inc
Classification: Likely pathogenic for Ellis-van Creveld syndrome. Review status: criteria provided, single submitter. Criteria: ACMG Guidelines, 2015. Collection method: clinical testing. Allele origin: germline. Affected: yes.
Comment: Null variant in a gene where loss of function (LOF) is a known mechanism of disease.;Absent from controls (or at extremely low frequency if recessive) in Genome Aggregation Database, Exome Sequencing Project, 1000 Genomes Project, or Exome Aggregation Consortium.

Literature cited by the submitters: PubMed 23220543 (cited by Labcorp Genetics (formerly Invitae), Labcorp).

NM_153717.3(EVC):c.653T>G (p.Leu218Ter)

Gene: EVC (EvC ciliary complex subunit 1; plus strand). Cytogenetic location: 4p16.2.
Variant type: single nucleotide variant.
Coding change: c.653T>G on transcript NM_153717.3 (MANE Select); coding-DNA position 653, T replaced by G.
Protein change: p.Leu218Ter; replaces leucine 218 with a stop codon.
Molecular consequence: nonsense.
Genome position (GRCh38, 1-based): chr4:5,733,386, T>G. VCF-style: chr4-5733386-T-G. GRCh37 (hg19) VCF-style: chr4-5735113-T-G.
Other names: c.653T>G, p.Leu218Ter (NM_001306090.2, NM_001306092.2); c.653T>G (NM_153717.2); short protein forms L218*.
Identifiers: ClinVar variation 2929434 (VCV002929434.6), dbSNP rs2474717066, ClinGen allele CA356144187.